The following is an entry in ClinVar:

ClinVar aggregate classification (germline): Uncertain significance. Review status: criteria provided, multiple submitters, no conflicts (2 of 4 stars). 2 submissions from 2 submitters: Uncertain significance (2). Last evaluated 2025-01-14.

Allele frequency attached by ClinVar (database versions not stated): gnomAD 0.00001; gnomAD exomes 0.00008; ExAC 0.00021.
gnomAD v4.1: 120 of 1,613,938 alleles (0.0074%); highest among the groups gnomAD compares: South Asian, 0.12%; 1 homozygote.

Submissions (2):

Ambry Genetics
Classification: Uncertain significance. Last evaluated: 2025-01-14. Review status: criteria provided, single submitter. Criteria: Ambry Variant Classification Scheme 2023. Collection method: clinical testing. Allele origin: germline.

Labcorp Genetics (formerly Invitae), Labcorp
Classification: Uncertain significance. Last evaluated: 2024-01-16. Review status: criteria provided, single submitter. Criteria: Invitae Variant Classification Sherloc (09022015). Collection method: clinical testing. Allele origin: germline.
Comment: This sequence change replaces glycine, which is neutral and non-polar, with aspartic acid, which is acidic and polar, at codon 487 of the ZNF687 protein (p.Gly487Asp). This variant is present in population databases (rs754710694, gnomAD 0.1%), and has an allele count higher than expected for a pathogenic variant. This variant has not been reported in the literature in individuals affected with ZNF687-related conditions. An algorithm developed to predict the effect of missense changes on protein structure and function (PolyPhen-2) suggests that this variant is likely to be disruptive. In summary, the available evidence is currently insufficient to determine the role of this variant in disease. Therefore, it has been classified as a Variant of Uncertain Significance.

NM_020832.3(ZNF687):c.1460G>A (p.Gly487Asp)

Gene: ZNF687 (zinc finger protein 687; plus strand). Cytogenetic location: 1q21.3.
Variant type: single nucleotide variant.
Coding change: c.1460G>A on transcript NM_020832.3 (MANE Select); coding-DNA position 1460, G replaced by A.
Protein change: p.Gly487Asp; replaces glycine 487 with aspartic acid.
Molecular consequence: missense variant.
Genome position (GRCh38, 1-based): chr1:151,287,751, G>A. VCF-style: chr1-151287751-G-A. GRCh37 (hg19) VCF-style: chr1-151260227-G-A.
Other names: c.1460G>A, p.Gly487Asp (NM_001304763.2, NM_001304764.2); c.1460G>A (NM_020832.1); short protein forms G487D.
Identifiers: ClinVar variation 2742049 (VCV002742049.4), dbSNP rs754710694, ClinGen allele CA1088339.